The following is an entry in ClinVar:

NM_001042492.3(NF1):c.3815A>G (p.Gln1272Arg)

Gene: NF1 (neurofibromin 1; plus strand). Cytogenetic location: 17q11.2.
Variant type: single nucleotide variant.
Coding change: c.3815A>G on transcript NM_001042492.3 (MANE Select); coding-DNA position 3815, A replaced by G.
Protein change: p.Gln1272Arg; replaces glutamine 1272 with arginine.
Molecular consequence: missense variant.
Genome position (GRCh38, 1-based): chr17:31,235,717, A>G. VCF-style: chr17-31235717-A-G. GRCh37 (hg19) VCF-style: chr17-29562735-A-G.
Other names: c.3815A>G, p.Gln1272Arg (NM_000267.4); short protein forms Q1272R.
Identifiers: ClinVar variation 1015931 (VCV001015931.5), dbSNP rs1597722580, ClinGen allele CA398992709.

ClinVar aggregate classification (germline): Uncertain significance (1 of 4 stars; one submission).

Conditions:
Neurofibromatosis, type 1 (NF1). Also called: VON RECKLINGHAUSEN DISEASE; Neurofibromatosis, type I; NEUROFIBROMATOSIS, TYPE I, SOMATIC; Peripheral type neurofibromatosis. Identifiers: Orphanet 636, MedGen C0027831, MONDO:0018975, OMIM 162200. Disease mechanism: loss of function.

Allele frequency attached by ClinVar (database versions not stated): gnomAD exomes below 0.00001.
gnomAD v4.1: 1 of 1,614,142 alleles (0.000062%); highest among the groups gnomAD compares: Non-Finnish European, 0.000085%; no homozygotes.

Submission:

Labcorp Genetics (formerly Invitae), Labcorp
Classification: Uncertain significance for Neurofibromatosis, type 1. Last evaluated: 2020-06-06. Review status: criteria provided, single submitter. Criteria: Invitae Variant Classification Sherloc (09022015). Collection method: clinical testing. Allele origin: germline.
Comment: In summary, the available evidence is currently insufficient to determine the role of this variant in disease. Therefore, it has been classified as a Variant of Uncertain Significance. Algorithms developed to predict the effect of missense changes on protein structure and function are either unavailable or do not agree on the potential impact of this missense change (SIFT: "Tolerated"; PolyPhen-2: "Possibly Damaging"; Align-GVGD: "Class C0"). This variant has not been reported in the literature in individuals with NF1-related conditions. This variant is not present in population databases (ExAC no frequency). This sequence change replaces glutamine with arginine at codon 1272 of the NF1 protein (p.Gln1272Arg). The glutamine residue is moderately conserved and there is a small physicochemical difference between glutamine and arginine.